The following is an entry in ClinVar:

ClinVar aggregate classification (germline): Uncertain significance (1 of 4 stars; one submission).

Conditions:
Muscular dystrophy-dystroglycanopathy type B6 (MDDGB6). Also called: MUSCULAR DYSTROPHY, CONGENITAL, LARGE-RELATED; MUSCULAR DYSTROPHY, CONGENITAL, TYPE 1D; MUSCULAR DYSTROPHY-DYSTROGLYCANOPATHY (CONGENITAL WITH IMPAIRED INTELLECTUAL DEVELOPMENT), TYPE B, 6. Identifiers: MedGen C1837229, MONDO:0012138, OMIM 608840.

Allele frequency attached by ClinVar (database versions not stated): gnomAD exomes below 0.00001 and 0.00002; gnomAD 0.00002; TOPMed 0.00002; ExAC 0.00003; ESP Exome Variant Server 0.00008.
gnomAD v4.1: 10 of 1,613,890 alleles (0.00062%); highest among the groups gnomAD compares: Middle Eastern, 0.016%; no homozygotes.

Submission:

Labcorp Genetics (formerly Invitae), Labcorp
Classification: Uncertain significance for Muscular dystrophy-dystroglycanopathy type B6. Last evaluated: 2022-07-05. Review status: criteria provided, single submitter. Criteria: Invitae Variant Classification Sherloc (09022015). Collection method: clinical testing. Allele origin: germline.
Comment: This sequence change replaces arginine, which is basic and polar, with glutamine, which is neutral and polar, at codon 447 of the LARGE1 protein (p.Arg447Gln). This variant is present in population databases (rs139603473, gnomAD 0.02%). This variant has not been reported in the literature in individuals affected with LARGE1-related conditions. ClinVar contains an entry for this variant (Variation ID: 837792). Algorithms developed to predict the effect of missense changes on protein structure and function are either unavailable or do not agree on the potential impact of this missense change (SIFT: "Deleterious"; PolyPhen-2: "Probably Damaging"; Align-GVGD: "Class C0"). Algorithms developed to predict the effect of sequence changes on RNA splicing suggest that this variant may create or strengthen a splice site. In summary, the available evidence is currently insufficient to determine the role of this variant in disease. Therefore, it has been classified as a Variant of Uncertain Significance.

NM_133642.5(LARGE1):c.1340G>A (p.Arg447Gln)

Gene: LARGE1 (LARGE xylosyl- and glucuronyltransferase 1; minus strand). Cytogenetic location: 22q12.3.
Variant type: single nucleotide variant.
Coding change: c.1340G>A on transcript NM_133642.5 (MANE Select); coding-DNA position 1340, G replaced by A.
Protein change: p.Arg447Gln; replaces arginine 447 with glutamine.
Molecular consequence: missense variant.
Genome position (GRCh38, 1-based): chr22:33,316,196, C>T on the plus strand (G>A on the coding strand, the complement: LARGE1 is on the minus strand). VCF-style: chr22-33316196-C-T. GRCh37 (hg19) VCF-style: chr22-33712182-C-T.
Other names: c.1340G>A, p.Arg447Gln (NM_001362949.2, NM_001362951.2, NM_001362953.2 and 6 more transcripts); c.1184G>A, p.Arg395Gln (NM_001378629.1); c.737G>A, p.Arg246Gln (NM_001378630.1); c.581G>A, p.Arg194Gln (NM_001378631.1); short protein forms R194Q, R246Q, R447Q, R395Q.
Identifiers: ClinVar variation 837792 (VCV000837792.7), dbSNP rs139603473, ClinGen allele CA10202774.